The following is an entry in ClinVar:

ClinVar aggregate classification (germline): Pathogenic (1 of 4 stars; one submission).

Conditions:
Vici syndrome (VICIS). Identifiers: Orphanet 1493, MedGen C1855772, MONDO:0009452, OMIM 242840.

Submission:

Labcorp Genetics (formerly Invitae), Labcorp
Classification: Pathogenic for Vici syndrome. Last evaluated: 2024-08-12. Review status: criteria provided, single submitter. Criteria: Invitae Variant Classification Sherloc (09022015). Collection method: clinical testing. Allele origin: germline.
Comment: This sequence change creates a premature translational stop signal (p.Glu731Glyfs*31) in the EPG5 gene. It is expected to result in an absent or disrupted protein product. Loss-of-function variants in EPG5 are known to be pathogenic (PMID: 23222957, 23674064). This variant is present in population databases (no rsID available, gnomAD 0.007%). This variant has not been reported in the literature in individuals affected with EPG5-related conditions. For these reasons, this variant has been classified as Pathogenic.

Literature cited by the submitters: PubMed 23222957; PubMed 23674064.

NM_020964.3(EPG5):c.2191dup (p.Glu731fs)

Gene: EPG5 (ectopic P-granules 5 autophagy tethering factor; minus strand). Cytogenetic location: 18q21.1.
Variant type: Duplication.
Coding change: c.2191dup on transcript NM_020964.3 (MANE Select); coding-DNA position 2191, one base duplicated (G; older notation c.2191dupG).
Protein change: p.Glu731fs; shifts the reading frame from glutamic acid 731.
Molecular consequence: frameshift variant.
Genome position (GRCh38, 1-based): chr18:45,934,875, C duplicated on the plus strand (G on the coding strand, the reverse complement: EPG5 is on the minus strand); the first of 2 consecutive C bases (chr18:45,934,875-45,934,876); duplicating either gives the same sequence. VCF-style (leftmost placement, unchanged base first): chr18-45934874-T-TC. GRCh37 (hg19) VCF-style: chr18-43514840-T-TC.
Other names: c.2191dup, p.Glu731fs (NM_001410858.1, NM_001410859.1); short protein forms E731fs.
Identifiers: ClinVar variation 2919400 (VCV002919400.3), dbSNP rs1279294789, ClinGen allele CA629483570.